The following is an entry in ClinVar:

ClinVar aggregate classification (germline): Uncertain significance. Review status: criteria provided, multiple submitters, no conflicts (2 of 4 stars). 3 submissions from 3 submitters: Uncertain significance (3). Last evaluated 2025-09-23.

Conditions:
Brain small vessel disease 1 with or without ocular anomalies (BSVD1). Also called: PORENCEPHALY, TYPE 1, AUTOSOMAL DOMINANT; BRAIN SMALL VESSEL DISEASE WITH HEMORRHAGE; GOULD SYNDROME 1; Brain small vessel disease with or without ocular anomalies. Identifiers: Orphanet 2940, Orphanet 36383, Orphanet 99810, MedGen C4755307, MONDO:0008289, OMIM 175780.
Retinal arterial tortuosity. Also called: RETINAL HEMORRHAGE WITH VASCULAR TORTUOSITY; Retinal arteries, tortuosity of. Identifiers: Orphanet 75326, MedGen C0423401, MONDO:0008373, OMIM 180000, HP:0000631.
Microangiopathy and leukoencephalopathy, pontine, autosomal dominant. Also called: Pontine autosomal dominant microangiopathy with leukoencephalopathy; DEMENTIA, HEREDITARY MULTI-INFARCT, SWEDISH TYPE. Identifiers: Orphanet 477749, MedGen C5231411, MONDO:0032814, OMIM 618564.
Autosomal dominant familial hematuria-retinal arteriolar tortuosity-contractures syndrome. Also called: Angiopathy, hereditary, with nephropathy, aneurysms, and muscle cramps; Hereditary Angiopathy with Nephropathy, Aneurysms, and Muscle Cramps (HANAC) Syndrome. Identifiers: Orphanet 73229, MedGen C2673195, MONDO:0012726, OMIM 611773.
Hemorrhage, intracerebral, susceptibility to (ICH). Also called: Stroke, hemorrhagic, susceptibility to. Identifiers: MedGen C3281105, MONDO:0100533, OMIM 614519.

Allele frequency attached by ClinVar (database versions not stated): ESP Exome Variant Server 0.00015.
gnomAD v4.1: 17 of 1,613,714 alleles (0.0011%); highest among the groups gnomAD compares: East Asian, 0.0045%; no homozygotes.

Submissions (3):

Labcorp Genetics (formerly Invitae), Labcorp
Classification: Uncertain significance. Last evaluated: 2025-09-23. Review status: criteria provided, single submitter. Criteria: Invitae Variant Classification Sherloc (09022015). Collection method: clinical testing. Allele origin: germline.
Comment: This sequence change replaces arginine, which is basic and polar, with histidine, which is basic and polar, at codon 597 of the COL4A1 protein (p.Arg597His). This variant is present in population databases (rs369724575, gnomAD 0.003%). This variant has not been reported in the literature in individuals affected with COL4A1-related conditions. ClinVar contains an entry for this variant (Variation ID: 1317276). Invitae Evidence Modeling of protein sequence and biophysical properties (such as structural, functional, and spatial information, amino acid conservation, physicochemical variation, residue mobility, and thermodynamic stability) has been performed for this missense variant. However, the output from this modeling did not meet the statistical confidence thresholds required to predict the impact of this variant on COL4A1 protein function. In summary, the available evidence is currently insufficient to determine the role of this variant in disease. Therefore, it has been classified as a Variant of Uncertain Significance.

Fulgent Genetics
Classification: Uncertain significance for Brain small vessel disease 1 with or without ocular anomalies; Retinal arterial tortuosity; Autosomal dominant familial hematuria-retinal arteriolar tortuosity-contractures syndrome; Hemorrhage, intracerebral, susceptibility to; Microangiopathy and leukoencephalopathy, pontine, autosomal dominant. Last evaluated: 2024-02-19. Review status: criteria provided, single submitter. Criteria: ACMG Guidelines, 2015. Collection method: clinical testing. Allele origin: germline.

GeneDx
Classification: Uncertain significance. Last evaluated: 2020-04-16. Review status: criteria provided, single submitter. Criteria: GeneDx Variant Classification Process June 2021. Collection method: clinical testing. Allele origin: germline. Affected: yes.
Comment: Not observed at a significant frequency in large population cohorts (Lek et al., 2016); In silico analysis supports that this missense variant does not alter protein structure/function; Has not been previously published as pathogenic or benign to our knowledge

NM_001845.6(COL4A1):c.1790G>A (p.Arg597His)

Gene: COL4A1 (collagen type IV alpha 1 chain; minus strand). Cytogenetic location: 13q34.
Variant type: single nucleotide variant.
Coding change: c.1790G>A on transcript NM_001845.6 (MANE Select); coding-DNA position 1790, G replaced by A.
Protein change: p.Arg597His; replaces arginine 597 with histidine.
Molecular consequence: missense variant.
Genome position (GRCh38, 1-based): chr13:110,186,492, C>T on the plus strand (G>A on the coding strand, the complement: COL4A1 is on the minus strand). VCF-style: chr13-110186492-C-T. GRCh37 (hg19) VCF-style: chr13-110838839-C-T.
Other names: short protein forms R597H.
Identifiers: ClinVar variation 1317276 (VCV001317276.6), dbSNP rs369724575, ClinGen allele CA7047827.